The following is an entry in ClinVar:

ClinVar aggregate classification (germline): Uncertain significance (1 of 4 stars; one submission).

Submission:

Women's Health and Genetics/Laboratory Corporation of America, LabCorp
Classification: Uncertain significance. Last evaluated: 2023-10-05. Review status: criteria provided, single submitter. Criteria: LabCorp Variant Classification Summary - May 2015. Collection method: clinical testing. Allele origin: germline.
Comment: Variant summary: The variant identified by MLPA or other technology involves the duplication of exons 56-93 in the MACF1 gene, which includes the last exon. The exact breakpoint at the 3' end of this variant is unknown and therefore this duplication might extend beyond the assayed region of the MACF1 gene. A presumed nomenclature of c.(10130+1_10131-1)_(*1345_?)dup has been designated for the purposes of this classification. It has been assumed that this is a tandem duplication in direct orientation (Richardson_GIM_2018, Newman_AJHG_2015). Since the exact breakpoints of this duplication are not known, it is not possible to predict the protein level effect of this duplication. The variant was absent in 21694 control chromosomes (gnomAD Structural Variants dataset). The available data on variant occurrences in the general population are insufficient to allow any conclusion about variant significance. To our knowledge, no occurrence of c.(10130+1_10131-1)_(*1345_?)dup in individuals affected with Lissencephaly 9 With Complex Brainstem Malformation and no experimental evidence demonstrating its impact on protein function have been reported. No submitters have reported clinical-significance assessments for this variant to ClinVar after 2014. Based on the evidence outlined above, the variant was classified as uncertain significance.

NC_000001.10:g.(39889867_39893126)_(39952811_?)dup

Gene: MACF1 (microtubule actin crosslinking factor 1; plus strand). Cytogenetic location: 1p34.3.
Variant type: Duplication.
Identifiers: ClinVar variation 2637609 (VCV002637609.1).